The following is an entry in ClinVar:

NM_001004334.4(GPR179):c.2204C>A (p.Ser735Tyr)

Gene: GPR179 (G protein-coupled receptor 179; minus strand). Cytogenetic location: 17q12.
Variant type: single nucleotide variant.
Coding change: c.2204C>A on transcript NM_001004334.4 (MANE Select); coding-DNA position 2204, C replaced by A.
Protein change: p.Ser735Tyr; replaces serine 735 with tyrosine.
Molecular consequence: missense variant.
Genome position (GRCh38, 1-based): chr17:38,331,365, G>T on the plus strand (C>A on the coding strand, the complement: GPR179 is on the minus strand). VCF-style: chr17-38331365-G-T. GRCh37 (hg19) VCF-style: chr17-36487248-G-T.
Other names: c.2204C>A (NM_001004334.2); short protein forms S735Y.
Identifiers: ClinVar variation 1964416 (VCV001964416.7), dbSNP rs746228977, ClinGen allele CA290106058.

ClinVar aggregate classification (germline): Uncertain significance. Review status: criteria provided, multiple submitters, no conflicts (2 of 4 stars). 3 submissions from 3 submitters: Uncertain significance (3). Last evaluated 2025-08-14.

Conditions:
Inborn genetic diseases. Identifiers: MedGen C0950123, MeSH D030342.

Allele frequency attached by ClinVar (database versions not stated): ExAC 0.00002; gnomAD 0.00002; gnomAD exomes 0.00003; TOPMed 0.00003.

Submissions (3):

Ambry Genetics
Classification: Uncertain significance for Inborn genetic diseases. Last evaluated: 2025-08-14. Review status: criteria provided, single submitter. Criteria: Ambry Variant Classification Scheme 2023. Collection method: clinical testing. Allele origin: germline.

Blueprint Genetics
Classification: Uncertain significance. Last evaluated: 2023-09-04. Review status: criteria provided, single submitter. Criteria: ACMG Guidelines, 2015. Collection method: clinical testing. Allele origin: germline.

Labcorp Genetics (formerly Invitae), Labcorp
Classification: Uncertain significance. Last evaluated: 2022-10-25. Review status: criteria provided, single submitter. Criteria: Invitae Variant Classification Sherloc (09022015). Collection method: clinical testing. Allele origin: germline.
Comment: In summary, the available evidence is currently insufficient to determine the role of this variant in disease. Therefore, it has been classified as a Variant of Uncertain Significance. Algorithms developed to predict the effect of missense changes on protein structure and function are either unavailable or do not agree on the potential impact of this missense change (SIFT: "Deleterious"; PolyPhen-2: "Probably Damaging"; Align-GVGD: "Class C0"). This variant has not been reported in the literature in individuals affected with GPR179-related conditions. This variant is present in population databases (rs746228977, gnomAD 0.003%). This sequence change replaces serine, which is neutral and polar, with tyrosine, which is neutral and polar, at codon 735 of the GPR179 protein (p.Ser735Tyr).